The following is an entry in ClinVar:

NM_020361.5(CPA6):c.919G>A (p.Ala307Thr)

Genes: ARFGEF1-DT (ARFGEF1 divergent transcript; plus strand), CPA6 (carboxypeptidase A6; minus strand). Cytogenetic location: 8q13.2.
Variant type: single nucleotide variant.
Coding change: c.919G>A on transcript NM_020361.5 (MANE Select); coding-DNA position 919, G replaced by A.
Protein change: p.Ala307Thr; replaces alanine 307 with threonine.
Molecular consequence: missense variant.
Genome position (GRCh38, 1-based): chr8:67,434,160, C>T on the plus strand (G>A on the coding strand, the complement: CPA6 is on the minus strand). VCF-style: chr8-67434160-C-T. GRCh37 (hg19) VCF-style: chr8-68346395-C-T.
Other names: short protein forms A307T.
Identifiers: ClinVar variation 939608 (VCV000939608.11), dbSNP rs767858182, ClinGen allele CA4772779.

ClinVar aggregate classification (germline): Uncertain significance. Review status: criteria provided, multiple submitters, no conflicts (2 of 4 stars). 2 submissions from 2 submitters: Uncertain significance (2). Last evaluated 2025-01-31.

Conditions:
Febrile seizures, familial, 11 (FEB11). Also called: CONVULSIONS, FAMILIAL FEBRILE, 11. Identifiers: MedGen C3280734, MONDO:0024566, OMIM 614418.

Allele frequency attached by ClinVar (database versions not stated): gnomAD exomes 0.00001; ExAC 0.00002; TOPMed 0.00003; gnomAD 0.00005 and 0.00006.
gnomAD v4.1: 12 of 1,613,972 alleles (0.00074%); highest among the groups gnomAD compares: African/African-American, 0.015%; no homozygotes.

Submissions (2):

Women's Health and Genetics/Laboratory Corporation of America, LabCorp
Classification: Uncertain significance. Last evaluated: 2025-01-31. Review status: criteria provided, single submitter. Criteria: LabCorp Variant Classification Summary - May 2015. Collection method: clinical testing. Allele origin: germline.
Comment: Variant summary: CPA6 c.919G>A (p.Ala307Thr) results in a non-conservative amino acid change located in the peptidase M14 carboxypeptidase subfamily A/B-like; carboxypeptidase A6 subgroup domain (IPR033843) of the encoded protein sequence. Three of five in-silico tools predict a damaging effect of the variant on protein function. The variant allele was found at a frequency of 1.2e-05 in 251476 control chromosomes. The available data on variant occurrences in the general population are insufficient to allow any conclusion about variant significance. c.919G>A has been reported in the literature in an individual with seizures (e.g., deCampo_2023). This report does not provide unequivocal conclusions about association of the variant with CPA6-Related Disorders. To our knowledge, no experimental evidence demonstrating an impact on protein function has been reported. The following publication has been ascertained in the context of this evaluation (PMID: 37077567). ClinVar contains an entry for this variant (Variation ID: 939608). Based on the evidence outlined above, the variant was classified as uncertain significance.

Labcorp Genetics (formerly Invitae), Labcorp
Classification: Uncertain significance for Febrile seizures, familial, 11. Last evaluated: 2022-06-20. Review status: criteria provided, single submitter. Criteria: Invitae Variant Classification Sherloc (09022015). Collection method: clinical testing. Allele origin: germline.
Comment: In summary, the available evidence is currently insufficient to determine the role of this variant in disease. Therefore, it has been classified as a Variant of Uncertain Significance. Algorithms developed to predict the effect of missense changes on protein structure and function are either unavailable or do not agree on the potential impact of this missense change (SIFT: "Tolerated"; PolyPhen-2: "Probably Damaging"; Align-GVGD: "Class C0"). ClinVar contains an entry for this variant (Variation ID: 939608). This variant has not been reported in the literature in individuals affected with CPA6-related conditions. This variant is present in population databases (rs767858182, gnomAD 0.01%). This sequence change replaces alanine, which is neutral and non-polar, with threonine, which is neutral and polar, at codon 307 of the CPA6 protein (p.Ala307Thr).

Literature cited by the submitters: PubMed 37077567 (cited by Women's Health and Genetics/Laboratory Corporation of America, LabCorp).